The following is an entry in ClinVar:

NM_003105.6(SORL1):c.4123C>T (p.Arg1375Trp)

Gene: SORL1 (sortilin related receptor 1; plus strand). Cytogenetic location: 11q24.1.
Variant type: single nucleotide variant.
Coding change: c.4123C>T on transcript NM_003105.6 (MANE Select); coding-DNA position 4123, C replaced by T.
Protein change: p.Arg1375Trp; replaces arginine 1375 with tryptophan.
Molecular consequence: missense variant.
Genome position (GRCh38, 1-based): chr11:121,590,084, C>T. VCF-style: chr11-121590084-C-T. GRCh37 (hg19) VCF-style: chr11-121460793-C-T.
Other names: short protein forms R1375W.
Identifiers: ClinVar variation 3167608 (VCV003167608.2), dbSNP rs200815202, ClinGen allele CA6329509.

ClinVar aggregate classification (germline): Uncertain significance. Review status: criteria provided, multiple submitters, no conflicts (2 of 4 stars). 2 submissions from 2 submitters: Uncertain significance (2). Last evaluated 2025-07-13.

Allele frequency attached by ClinVar (database versions not stated): gnomAD 0.00002; 1000 Genomes Project 30x 0.00016; ExAC 0.00002; gnomAD exomes 0.00001; 1000 Genomes Project 0.00020; TOPMed below 0.00001.
gnomAD v4.1: 19 of 1,614,118 alleles (0.0012%); highest among the groups gnomAD compares: East Asian, 0.0089%; no homozygotes.

Submissions (2):

Labcorp Genetics (formerly Invitae), Labcorp
Classification: Uncertain significance. Last evaluated: 2025-07-13. Review status: criteria provided, single submitter. Criteria: Invitae Variant Classification Sherloc (09022015). Collection method: clinical testing. Allele origin: germline.
Comment: This sequence change replaces arginine, which is basic and polar, with tryptophan, which is neutral and slightly polar, at codon 1375 of the SORL1 protein (p.Arg1375Trp). This variant is present in population databases (rs200815202, gnomAD 0.02%). This variant has not been reported in the literature in individuals affected with SORL1-related conditions. ClinVar contains an entry for this variant (Variation ID: 3167608). An algorithm developed to predict the effect of missense changes on protein structure and function (PolyPhen-2) suggests that this variant is likely to be disruptive. In summary, the available evidence is currently insufficient to determine the role of this variant in disease. Therefore, it has been classified as a Variant of Uncertain Significance.

Ambry Genetics
Classification: Uncertain significance. Last evaluated: 2023-11-13. Review status: criteria provided, single submitter. Criteria: Ambry Variant Classification Scheme 2023. Collection method: clinical testing. Allele origin: germline.